The following is an entry in ClinVar:

NM_000051.4(ATM):c.1520T>A (p.Leu507Ter)

Gene: ATM (ATM serine/threonine kinase; plus strand). Cytogenetic location: 11q22.3.
Variant type: single nucleotide variant.
Coding change: c.1520T>A on transcript NM_000051.4 (MANE Select); coding-DNA position 1520, T replaced by A.
Protein change: p.Leu507Ter; replaces leucine 507 with a stop codon.
Molecular consequence: nonsense.
Genome position (GRCh38, 1-based): chr11:108,250,985, T>A. VCF-style: chr11-108250985-T-A. GRCh37 (hg19) VCF-style: chr11-108121712-T-A.
Other names: c.1520T>A, p.Leu507Ter (NM_001351834.2); c.1520T>A (NM_000051.3); short protein forms L507*.
Identifiers: ClinVar variation 1685552 (VCV001685552.7), dbSNP rs2135325561, ClinGen allele CA382534275.

ClinVar aggregate classification (germline): Pathogenic. Review status: criteria provided, multiple submitters, no conflicts (2 of 4 stars). 3 submissions from 3 submitters: Pathogenic (3). Last evaluated 2023-07-19.

Conditions:
Ataxia-telangiectasia syndrome (AT). Also called: Ataxia-telangiectasia, complementation group D; AT, COMPLEMENTATION GROUP C; ATAXIA-TELANGIECTASIA, COMPLEMENTATION GROUP A; ATAXIA-TELANGIECTASIA, FRESNO VARIANT; Cerebello-oculocutaneous telangiectasia; Immunodeficiency with ataxia telangiectasia. Identifiers: Orphanet 100, MedGen C0004135, MONDO:0008840, OMIM 208900.
Hereditary cancer-predisposing syndrome. Also called: Neoplastic Syndromes, Hereditary; Hereditary neoplastic syndrome; Tumor predisposition; Hereditary Cancer Syndrome. Identifiers: Orphanet 140162, MedGen C0027672, MeSH D009386, MONDO:0015356.
Familial cancer of breast. Also called: hereditary breast carcinoma; BREAST CANCER, FAMILIAL; Hereditary breast cancer. Identifiers: Orphanet 227535, MedGen C0346153, MONDO:0016419, OMIM 114480. Disease mechanism: loss of function.

Submissions (3):

Labcorp Genetics (formerly Invitae), Labcorp
Classification: Pathogenic for Ataxia-telangiectasia syndrome. Last evaluated: 2023-07-19. Review status: criteria provided, single submitter. Criteria: Invitae Variant Classification Sherloc (09022015). Collection method: clinical testing. Allele origin: germline.
Comment: This sequence change creates a premature translational stop signal (p.Leu507*) in the ATM gene. It is expected to result in an absent or disrupted protein product. Loss-of-function variants in ATM are known to be pathogenic (PMID: 23807571, 25614872). For these reasons, this variant has been classified as Pathogenic. ClinVar contains an entry for this variant (Variation ID: 1685552). This premature translational stop signal has been observed in individual(s) with ataxia-telangiectasia (PMID: 15039971). This variant is not present in population databases (gnomAD no frequency).

Ambry Genetics
Classification: Pathogenic for Hereditary cancer-predisposing syndrome. Last evaluated: 2023-04-05. Review status: criteria provided, single submitter. Criteria: Ambry Variant Classification Scheme 2023. Collection method: clinical testing. Allele origin: germline.
Comment: The p.L507* pathogenic mutation (also known as c.1520T>A), located in coding exon 9 of the ATM gene, results from a T to A substitution at nucleotide position 1520. This changes the amino acid from a leucine to a stop codon within coding exon 9. This variant has been identified in the homozygous state in an individual diagnosed with Ataxia Telangiectasia (Coutinho G et al. Am J Med Genet A, 2004 Apr;126A:33-40). In addition to the clinical data presented in the literature, this alteration is expected to result in loss of function by premature protein truncation or nonsense-mediated mRNA decay. This variant is considered to be rare based on population cohorts in the Genome Aggregation Database (gnomAD). As such, this alteration is interpreted as a disease-causing mutation.

Mendelics
Classification: Pathogenic for Familial cancer of breast. Last evaluated: 2022-05-04. Review status: criteria provided, single submitter. Criteria: Mendelics Assertion Criteria 2019. Collection method: clinical testing. Allele origin: germline.

Literature cited by the submitters: PubMed 23807571 (cited by Labcorp Genetics (formerly Invitae), Labcorp); PubMed 25614872 (cited by Labcorp Genetics (formerly Invitae), Labcorp); PubMed 15039971 (cited by Labcorp Genetics (formerly Invitae), Labcorp and Ambry Genetics).